The following is an entry in ClinVar:

ClinVar aggregate classification (germline): Uncertain significance (1 of 4 stars; one submission).

Conditions:
Martsolf syndrome (MARTS). Also called: Congenital cataract with intellectual disability and hypogonadotropic hypogonadism syndrome. Identifiers: Orphanet 1387, MedGen C0796037, MONDO:0023910.
Warburg micro syndrome 2 (WARBM2). Also called: MICRO SYNDROME 2. Identifiers: Orphanet 2510, MedGen C3280214, MONDO:0013641, OMIM 614225.

Submission:

Labcorp Genetics (formerly Invitae), Labcorp
Classification: Uncertain significance for Martsolf syndrome; Warburg micro syndrome 2. Last evaluated: 2022-08-10. Review status: criteria provided, single submitter. Criteria: Invitae Variant Classification Sherloc (09022015). Collection method: clinical testing. Allele origin: germline.
Comment: ClinVar contains an entry for this variant (Variation ID: 1435368). Algorithms developed to predict the effect of missense changes on protein structure and function are either unavailable or do not agree on the potential impact of this missense change (SIFT: "Deleterious"; PolyPhen-2: "Benign"; Align-GVGD: "Class C0"). In summary, the available evidence is currently insufficient to determine the role of this variant in disease. Therefore, it has been classified as a Variant of Uncertain Significance. This sequence change replaces aspartic acid, which is acidic and polar, with valine, which is neutral and non-polar, at codon 1251 of the RAB3GAP2 protein (p.Asp1251Val). This variant is not present in population databases (gnomAD no frequency). This variant has not been reported in the literature in individuals affected with RAB3GAP2-related conditions.

NM_012414.4(RAB3GAP2):c.3752A>T (p.Asp1251Val)

Gene: RAB3GAP2 (RAB3 GTPase activating non-catalytic protein subunit 2; minus strand). Cytogenetic location: 1q41.
Variant type: single nucleotide variant.
Coding change: c.3752A>T on transcript NM_012414.4 (MANE Select); coding-DNA position 3752, A replaced by T.
Protein change: p.Asp1251Val; replaces aspartic acid 1251 with valine.
Molecular consequence: missense variant.
Genome position (GRCh38, 1-based): chr1:220,153,300, T>A on the plus strand (A>T on the coding strand, the complement: RAB3GAP2 is on the minus strand). VCF-style: chr1-220153300-T-A. GRCh37 (hg19) VCF-style: chr1-220326642-T-A.
Other names: short protein forms D1251V.
Identifiers: ClinVar variation 1435368 (VCV001435368.6), dbSNP rs769405335, ClinGen allele CA344627008.
Genomic context (GRCh38, chr1:220,153,300, plus strand): 5'-CTAACAACATCTTCACTAACTTGAAGGTGATGGGCTAAATCCACAGCTAGAGCTGGCCAA[T>A]CTTGGTCTTTCCCAAAAGGAGTGGGTGTGGCCTCTTCTGTGGGATCTTTGACCTTTGTGG-3'
Protein context (NP_036546.2, residues 1241-1261): ATPTPFGKDQ[Asp1251Val]WPALAVDLAH